The following is an entry in ClinVar:

NM_004006.3(DMD):c.831+1G>A

Gene: DMD (dystrophin; minus strand). Cytogenetic location: Xp21.1.
Variant type: single nucleotide variant.
Coding change: c.831+1G>A on transcript NM_004006.3 (MANE Select); the canonical splice donor site of the intron after coding-DNA position 831, G replaced by A.
Molecular consequence: splice donor variant.
Genome position (GRCh38, 1-based): chrX:32,699,111, C>T on the plus strand (G>A on the coding strand, the complement: DMD is on the minus strand). VCF-style: chrX-32699111-C-T. GRCh37 (hg19) VCF-style: chrX-32717228-C-T.
Other names: c.807+1G>A (NM_000109.4); c.819+1G>A (NM_004009.3); c.462+1G>A (NM_004010.3).
Identifiers: ClinVar variation 455934 (VCV000455934.10), dbSNP rs1239018406, ClinGen allele CA412668778.

ClinVar aggregate classification (germline): Pathogenic (1 of 4 stars; one submission).

Conditions:
Duchenne muscular dystrophy (DMD). Also called: MUSCULAR DYSTROPHY, PSEUDOHYPERTROPHIC PROGRESSIVE, DUCHENNE TYPE; Duchenne Muscular Dystrophy (DMD). Identifiers: Orphanet 98896, MedGen C0013264, MONDO:0010679, OMIM 310200.

Submission:

Labcorp Genetics (formerly Invitae), Labcorp
Classification: Pathogenic for Duchenne muscular dystrophy. Last evaluated: 2017-06-27. Review status: criteria provided, single submitter. Criteria: Invitae Variant Classification Sherloc (09022015). Collection method: clinical testing. Allele origin: germline.
Comment: This sequence change affects a donor splice site in intron 8 of the DMD gene. It is expected to disrupt RNA splicing and likely results in an absent or disrupted protein product. For these reasons, this variant has been classified as Pathogenic. Donor and acceptor splice site variants typically lead to a loss of protein function (PMID: 16199547), and loss-of-function variants in DMD are known to be pathogenic (PMID: 16770791, 25007885). A different variant affecting this nucleotide (c.831+1G>C) has been reported in an individual affected with either Duchenne or Becker muscular dystrophy (PMID: 16770791, Richards ASHG 2003 A2335). This suggests that this nucleotide is important for normal RNA splicing. This variant is not present in population databases (ExAC no frequency).

Literature cited by the submitters: PubMed 16199547; PubMed 16770791; PubMed 25007885; PubMed 2003; PubMed 2335.